The following is an entry in ClinVar:

NM_000238.4(KCNH2):c.3459C>A (p.His1153Gln)

Gene: KCNH2 (potassium voltage-gated channel subfamily H member 2; minus strand). Cytogenetic location: 7q36.1.
Variant type: single nucleotide variant.
Coding change: c.3459C>A on transcript NM_000238.4 (MANE Select); coding-DNA position 3459, C replaced by A.
Protein change: p.His1153Gln; replaces histidine 1153 with glutamine.
Molecular consequence: missense variant. On other transcripts: non-coding transcript variant (2).
Genome position (GRCh38, 1-based): chr7:150,945,386, G>T on the plus strand (C>A on the coding strand, the complement: KCNH2 is on the minus strand). VCF-style: chr7-150945386-G-T. GRCh37 (hg19) VCF-style: chr7-150642474-G-T.
Other names: c.3171C>A, p.His1057Gln (NM_001406753.1); c.2439C>A, p.His813Gln (NM_172057.3); short protein forms H1057Q, H1153Q, H813Q.
Identifiers: ClinVar variation 3073751 (VCV003073751.1), dbSNP rs755599756, ClinGen allele CA369851376.

ClinVar aggregate classification (germline): Uncertain significance (1 of 4 stars; one submission).

Conditions:
Long QT syndrome (LQTS). Identifiers: MedGen C0023976, MeSH D008133, MONDO:0002442. Disease mechanism: loss of function. Inheritance: Various modes of inheritance.

Submission:

All of Us Research Program, National Institutes of Health
Classification: Uncertain significance for Long QT syndrome. Last evaluated: 2023-10-06. Review status: criteria provided, single submitter. Criteria: ACMG Guidelines, 2015. Collection method: clinical testing. Allele origin: germline. Inheritance: Autosomal dominant inheritance. Observed: 1 variant allele, 1 heterozygote.
Comment: This missense variant replaces histidine with glutamine at codon 1153 of the KCNH2 protein. Computational prediction is inconclusive regarding the impact of this variant on protein structure and function (internally defined REVEL score threshold 0.5 < inconclusive < 0.7, PMID: 27666373). To our knowledge, functional studies have not been reported for this variant. This variant has not been reported in individuals affected with KCNH2-related disorders in the literature. This variant has not been identified in the general population by the Genome Aggregation Database (gnomAD). The available evidence is insufficient to determine the role of this variant in disease conclusively. Therefore, this variant is classified as a Variant of Uncertain Significance.

This study involves interpretation of variants in research participants for the purpose of population health screening. Participant phenotype was not available at the time of variant classification. Additional details can be found in publication PMID: 35346344, PMCID: PMC8962531